The following is an entry in ClinVar:

ClinVar aggregate classification (germline): Likely pathogenic (1 of 4 stars; one submission).

Conditions:
Primary hyperoxaluria, type I (HP1). Also called: OXALOSIS I; Primary hyperoxaluria type 1; GLYCOLIC ACIDURIA; HEPATIC AGT DEFICIENCY. Identifiers: Orphanet 416, Orphanet 93598, MedGen C0268164, MONDO:0009823, OMIM 259900. Disease mechanism: loss of function.

Submission:

Rare Kidney Stone Consortium and the Mayo Clinic Hyperoxaluria Center, Mayo Clinic
Classification: Likely pathogenic for Primary hyperoxaluria, type I. Last evaluated: 2023-10-27. Review status: criteria provided, single submitter. Criteria: ACMG Guidelines, 2015. Collection method: clinical testing. Allele origin: germline. Affected: yes.
Comment: ACMG:PM2 PM3 PP3 PP4

Literature cited by the submitters: PubMed 28553045; PubMed 34805638.

NM_000030.3(AGXT):c.166-11_166-8delinsTGCATGCAAGAT

Gene: AGXT (alanine--glyoxylate aminotransferase; plus strand). Cytogenetic location: 2q37.3.
Variant type: Indel.
Coding change: c.166-11_166-8delinsTGCATGCAAGAT on transcript NM_000030.3 (MANE Select); 11 bases into the intron before coding-DNA position 166 through 8 bases into the intron before coding-DNA position 166, CCCG replaced by TGCATGCAAGAT.
Molecular consequence: intron variant.
Genome position (GRCh38, 1-based): chr2:240,869,159-240,869,162, CCCG replaced by TGCATGCAAGAT. VCF-style: chr2-240869159-CCCG-TGCATGCAAGAT. GRCh37 (hg19) VCF-style: chr2-241808576-CCCG-TGCATGCAAGAT.
Identifiers: ClinVar variation 2664115 (VCV002664115.1), dbSNP rs2528739914, ClinGen allele CA2695197710.